The following is an entry in ClinVar:

NM_004523.4(KIF11):c.3162C>G (p.Ile1054Met)

Gene: KIF11 (kinesin family member 11; plus strand). Cytogenetic location: 10q23.33.
Variant type: single nucleotide variant.
Coding change: c.3162C>G on transcript NM_004523.4 (MANE Select); coding-DNA position 3162, C replaced by G.
Protein change: p.Ile1054Met; replaces isoleucine 1054 with methionine.
Molecular consequence: missense variant.
Genome position (GRCh38, 1-based): chr10:92,653,787, C>G. VCF-style: chr10-92653787-C-G. GRCh37 (hg19) VCF-style: chr10-94413544-C-G.
Other names: short protein forms I1054M.
Identifiers: ClinVar variation 2706562 (VCV002706562.3), dbSNP rs1564720176, ClinGen allele CA377808790.

ClinVar aggregate classification (germline): Uncertain significance (1 of 4 stars; one submission).

Allele frequency attached by ClinVar (database versions not stated): gnomAD 0.00001.
gnomAD v4.1: 1 of 1,609,976 alleles (0.000062%); highest among the groups gnomAD compares: Non-Finnish European, 0.000085%; no homozygotes.

Submission:

Labcorp Genetics (formerly Invitae), Labcorp
Classification: Uncertain significance. Last evaluated: 2024-01-26. Review status: criteria provided, single submitter. Criteria: Invitae Variant Classification Sherloc (09022015). Collection method: clinical testing. Allele origin: germline.
Comment: This sequence change replaces isoleucine, which is neutral and non-polar, with methionine, which is neutral and non-polar, at codon 1054 of the KIF11 protein (p.Ile1054Met). This variant is not present in population databases (gnomAD no frequency). This variant has not been reported in the literature in individuals affected with KIF11-related conditions. An algorithm developed to predict the effect of missense changes on protein structure and function (PolyPhen-2) suggests that this variant is likely to be disruptive. In summary, the available evidence is currently insufficient to determine the role of this variant in disease. Therefore, it has been classified as a Variant of Uncertain Significance.